The following is an entry in ClinVar:

NM_022841.7(RFX7):c.3851C>T (p.Thr1284Ile)

Gene: RFX7 (regulatory factor X7; minus strand). Cytogenetic location: 15q21.3.
Variant type: single nucleotide variant.
Coding change: c.3851C>T on transcript NM_022841.7 (MANE Select); coding-DNA position 3851, C replaced by T.
Protein change: p.Thr1284Ile; replaces threonine 1284 with isoleucine.
Molecular consequence: missense variant.
Genome position (GRCh38, 1-based): chr15:56,093,877, G>A on the plus strand (C>T on the coding strand, the complement: RFX7 is on the minus strand). VCF-style: chr15-56093877-G-A. GRCh37 (hg19) VCF-style: chr15-56386075-G-A.
Other names: c.3560C>T, p.Thr1187Ile (NM_001368073.2, NM_001368074.1, NM_001370554.1); c.3851C>T, p.Thr1284Ile (NM_001370561.1); short protein forms T1187I, T1284I.
Identifiers: ClinVar variation 2580458 (VCV002580458.1), dbSNP rs2504985112, ClinGen allele CA392575995.
Genomic context (GRCh38, chr15:56,093,877, plus strand): 5'-GAATCGATCATATTTTGTGGGTTGGCACTAGGAAAAACAGTGGAAGGTTCCAAAATCTGA[G>A]TGAGATTCATCCGGGCTGTATAATTAGAGGGCAGGTTGTTCATTCCCAAACCTCTCACTG-3'
Protein context (NP_073752.6, residues 1274-1294): PSNYTARMNL[Thr1284Ile]QILEPSTVFP

ClinVar aggregate classification (germline): Uncertain significance (1 of 4 stars; one submission).

Submission:

GeneDx
Classification: Uncertain significance. Last evaluated: 2023-03-24. Review status: criteria provided, single submitter. Criteria: GeneDx Variant Classification Process June 2021. Collection method: clinical testing. Allele origin: germline. Affected: yes.
Comment: Not observed at significant frequency in large population cohorts (gnomAD); In silico analysis supports that this missense variant has a deleterious effect on protein structure/function; Has not been previously published as pathogenic or benign to our knowledge